The following is an entry in ClinVar:

NM_016642.4(SPTBN5):c.9052C>T (p.Arg3018Trp)

Gene: SPTBN5 (spectrin beta, non-erythrocytic 5; minus strand). Cytogenetic location: 15q15.1.
Variant type: single nucleotide variant.
Coding change: c.9052C>T on transcript NM_016642.4 (MANE Select); coding-DNA position 9052, C replaced by T.
Protein change: p.Arg3018Trp; replaces arginine 3018 with tryptophan.
Molecular consequence: missense variant.
Genome position (GRCh38, 1-based): chr15:41,855,715, G>A on the plus strand (C>T on the coding strand, the complement: SPTBN5 is on the minus strand). VCF-style: chr15-41855715-G-A. GRCh37 (hg19) VCF-style: chr15-42147913-G-A.
Other names: c.8947C>T (NM_016642.2); short protein forms R3018W.
Identifiers: ClinVar variation 2645210 (VCV002645210.25), dbSNP rs376262153, ClinGen allele CA7501621.

ClinVar aggregate classification (germline): Conflicting classifications of pathogenicity. Review status: criteria provided, conflicting classifications (1 of 4 stars). 2 submissions from 2 submitters: Uncertain significance (1); Likely benign (1). Last evaluated 2023-11-21.

Allele frequency attached by ClinVar (database versions not stated): ESP Exome Variant Server 0.00008; gnomAD exomes 0.00010; ExAC 0.00018; gnomAD 0.00038; TOPMed 0.00052.
gnomAD v4.1: 203 of 1,589,434 alleles (0.013%); highest among the groups gnomAD compares: Admixed American, 0.071%; no homozygotes.

Submissions (2):

Ambry Genetics
Classification: Uncertain significance. Last evaluated: 2023-11-21. Review status: criteria provided, single submitter. Criteria: Ambry Variant Classification Scheme 2023. Collection method: clinical testing. Allele origin: germline.

CeGaT Center for Human Genetics Tuebingen
Classification: Likely benign. Last evaluated: 2022-04-01. Review status: criteria provided, single submitter. Criteria: CeGaT Center For Human Genetics Tuebingen Variant Classification Criteria Version 2. Collection method: clinical testing. Allele origin: germline. Affected: yes. Observed: 1 variant allele.
Comment: SPTBN5: BP4